The following is an entry in ClinVar:

NM_000701.8(ATP1A1):c.2873del (p.Leu958fs)

Genes: ATP1A1-AS1 (ATP1A1 antisense RNA 1; minus strand), ATP1A1 (ATPase Na+/K+ transporting subunit alpha 1; plus strand). Cytogenetic location: 1p13.1.
Variant type: Deletion.
Coding change: c.2873del on transcript NM_000701.8 (MANE Select); coding-DNA position 2873, one base deleted (T; older notation c.2873delT).
Protein change: p.Leu958fs; shifts the reading frame from leucine 958.
Molecular consequence: frameshift variant.
Genome position (GRCh38, 1-based): chr1:116,401,577, T deleted. VCF-style (leftmost placement, unchanged base first): chr1-116401576-CT-C. GRCh37 (hg19) VCF-style: chr1-116944198-CT-C.
Other names: c.2873del, p.Leu958fs (NM_001160233.2); c.2780del, p.Leu927fs (NM_001160234.2); short protein forms L927fs, L958fs.
Identifiers: ClinVar variation 1377942 (VCV001377942.6), dbSNP rs2101067314, ClinGen allele CA2573130949.

ClinVar aggregate classification (germline): Uncertain significance (1 of 4 stars; one submission).

Submission:

Labcorp Genetics (formerly Invitae), Labcorp
Classification: Uncertain significance. Last evaluated: 2021-11-03. Review status: criteria provided, single submitter. Criteria: Invitae Variant Classification Sherloc (09022015). Collection method: clinical testing. Allele origin: germline.
Comment: This sequence change results in a frameshift in the ATP1A1 gene (p.Leu958Profs*102). While this is not anticipated to result in nonsense mediated decay, it is expected to disrupt the last 66 amino acid(s) of the ATP1A1 protein and extend the protein by 35 additional amino acid residues. This variant is not present in population databases (gnomAD no frequency). This variant has not been reported in the literature in individuals affected with ATP1A1-related conditions. In summary, the available evidence is currently insufficient to determine the role of this variant in disease. Therefore, it has been classified as a Variant of Uncertain Significance.